The following is an entry in ClinVar:

NM_000264.5(PTCH1):c.964G>C (p.Val322Leu)

Gene: PTCH1 (patched 1; minus strand). Cytogenetic location: 9q22.32.
Variant type: single nucleotide variant.
Coding change: c.964G>C on transcript NM_000264.5 (MANE Select); coding-DNA position 964, G replaced by C.
Protein change: p.Val322Leu; replaces valine 322 with leucine.
Molecular consequence: missense variant. On other transcripts: non-coding transcript variant (1).
Genome position (GRCh38, 1-based): chr9:95,480,072, C>G on the plus strand (G>C on the coding strand, the complement: PTCH1 is on the minus strand). VCF-style: chr9-95480072-C-G. GRCh37 (hg19) VCF-style: chr9-98242354-C-G.
Other names: c.766G>C, p.Val256Leu (NM_001083602.3); c.961G>C, p.Val321Leu (NM_001083603.3); c.511G>C, p.Val171Leu (NM_001083604.3, NM_001083605.3, NM_001083606.3 and 1 more transcripts); c.964G>C, p.Val322Leu (NM_001354918.2); short protein forms V321L, V322L, V171L, V256L.
Identifiers: ClinVar variation 2009103 (VCV002009103.4), dbSNP rs2118395322, ClinGen allele CA374119786.

ClinVar aggregate classification (germline): Uncertain significance (1 of 4 stars; one submission).

Conditions:
Gorlin syndrome. Also called: Nevoid Basal Cell Carcinoma Syndrome; Basal cell nevus syndrome. Identifiers: Orphanet 377, MedGen C0004779, MONDO:0007187.

Submission:

Labcorp Genetics (formerly Invitae), Labcorp
Classification: Uncertain significance for Gorlin syndrome. Last evaluated: 2022-06-22. Review status: criteria provided, single submitter. Criteria: Invitae Variant Classification Sherloc (09022015). Collection method: clinical testing. Allele origin: germline.
Comment: In summary, the available evidence is currently insufficient to determine the role of this variant in disease. Therefore, it has been classified as a Variant of Uncertain Significance. Advanced modeling of protein sequence and biophysical properties (such as structural, functional, and spatial information, amino acid conservation, physicochemical variation, residue mobility, and thermodynamic stability) performed at Invitae indicates that this missense variant is not expected to disrupt PTCH1 protein function. This variant has not been reported in the literature in individuals affected with PTCH1-related conditions. This variant is not present in population databases (gnomAD no frequency). This sequence change replaces valine, which is neutral and non-polar, with leucine, which is neutral and non-polar, at codon 322 of the PTCH1 protein (p.Val322Leu).